The following is an entry in ClinVar:

ClinVar aggregate classification (germline): Conflicting classifications of pathogenicity. Review status: criteria provided, conflicting classifications (1 of 4 stars). 2 submissions from 2 submitters: Uncertain significance (1); Likely benign (1). Last evaluated 2025-01-21.

Conditions:
Hereditary cancer-predisposing syndrome. Also called: Neoplastic Syndromes, Hereditary; Hereditary Cancer Syndrome; Hereditary neoplastic syndrome; Tumor predisposition. Identifiers: Orphanet 140162, MedGen C0027672, MeSH D009386, MONDO:0015356.
EGFR-related lung cancer (EGFR). Identifiers: MedGen CN130014.

Allele frequency attached by ClinVar (database versions not stated): gnomAD exomes below 0.00001 and 0.00001; gnomAD 0.00001; TOPMed 0.00002; ESP Exome Variant Server 0.00015.
gnomAD v4.1: 2 of 1,613,786 alleles (0.00012%); highest among the groups gnomAD compares: African/African-American, 0.0013%; no homozygotes.

Submissions (2):

Ambry Genetics
Classification: Uncertain significance for Hereditary cancer-predisposing syndrome. Last evaluated: 2025-01-21. Review status: criteria provided, single submitter. Criteria: Ambry Variant Classification Scheme 2023. Collection method: clinical testing. Allele origin: germline.
Comment: The c.2849-5C>T intronic variant results from a C to T substitution 5 nucleotides upstream from coding exon 24 in the EGFR gene. This nucleotide position is not well conserved in available vertebrate species. In silico splice site analysis predicts that this alteration will not have any significant effect on splicing. Based on the available evidence, the clinical significance of this variant remains unclear.

Labcorp Genetics (formerly Invitae), Labcorp
Classification: Likely benign for EGFR-related lung cancer. Last evaluated: 2024-06-05. Review status: criteria provided, single submitter. Criteria: Invitae Variant Classification Sherloc (09022015). Collection method: clinical testing. Allele origin: germline.

NM_005228.5(EGFR):c.2849-5C>T

Gene: EGFR (epidermal growth factor receptor; plus strand). Cytogenetic location: 7p11.2.
Variant type: single nucleotide variant.
Coding change: c.2849-5C>T on transcript NM_005228.5 (MANE Select); 5 bases into the intron before coding-DNA position 2849, C replaced by T.
Molecular consequence: intron variant.
Genome position (GRCh38, 1-based): chr7:55,200,311, C>T. VCF-style: chr7-55200311-C-T. GRCh37 (hg19) VCF-style: chr7-55268004-C-T.
Other names: c.2714-5C>T (NM_001346899.2, NM_001346897.2); c.2048-5C>T (NM_001346941.2); c.2849-5C>T (NM_001346898.2, NM_005228.3); c.2690-5C>T (NM_001346900.2).
Identifiers: ClinVar variation 1650661 (VCV001650661.9), dbSNP rs375877462, ClinGen allele CA158937446.